The following is an entry in ClinVar:

NM_025137.4(SPG11):c.443-1G>A

Gene: SPG11 (SPG11 vesicle trafficking associated, spatacsin; minus strand). Cytogenetic location: 15q21.1.
Variant type: single nucleotide variant.
Coding change: c.443-1G>A on transcript NM_025137.4 (MANE Select); the canonical splice acceptor site of the intron before coding-DNA position 443, G replaced by A.
Molecular consequence: splice acceptor variant.
Genome position (GRCh38, 1-based): chr15:44,659,304, C>T on the plus strand (G>A on the coding strand, the complement: SPG11 is on the minus strand). VCF-style: chr15-44659304-C-T. GRCh37 (hg19) VCF-style: chr15-44951502-C-T.
Other names: c.443-1G>A (NM_001411132.1, NM_001160227.2).
Identifiers: ClinVar variation 1066302 (VCV001066302.11), dbSNP rs1040633382, ClinGen allele CA270109715.
Genomic context (GRCh38, chr15:44,659,304, plus strand): 5'-TGAACAGTAATGATGTGTTATTGTGAAATGACAGGATTCTCAAAGACAATAAGGAAATAC[C>T]TACAAAACAAAAGGATATTATTTCAAACTCATTGGTCACAATTTTACAACTGGTACATTT-3'

ClinVar aggregate classification (germline): Conflicting classifications of pathogenicity. Review status: criteria provided, conflicting classifications (1 of 4 stars). 2 submissions from 2 submitters: Likely pathogenic (1); Uncertain significance (1). Last evaluated 2023-08-06.

Conditions:
Hereditary spastic paraplegia 11. Also called: SPASTIC PARAPLEGIA, AUTOSOMAL RECESSIVE, COMPLICATED, WITH THIN CORPUS CALLOSUM; SPASTIC PARAPLEGIA, AUTOSOMAL RECESSIVE, WITH MENTAL IMPAIRMENT AND THIN CORPUS CALLOSUM; Nakamura Osame syndrome; Autosomal recessive hereditary spastic paraplegia, mental impairment, and thin corpus callosum; Spastic paraplegia, mental retardation and thin corpus callosum; Spastic Paraplegia 11. Identifiers: Orphanet 2822, MedGen C1858479, MONDO:0011445, OMIM 604360.
Amyotrophic lateral sclerosis type 5 (ALS5). Also called: AMYOTROPHIC LATERAL SCLEROSIS 5, JUVENILE. Identifiers: Orphanet 300605, MedGen C1865864, MONDO:0011196, OMIM 602099.
Charcot-Marie-Tooth disease axonal type 2X. Also called: CHARCOT-MARIE-TOOTH DISEASE, AXONAL, AUTOSOMAL RECESSIVE, TYPE 2X; CHARCOT-MARIE-TOOTH NEUROPATHY, TYPE 2X. Identifiers: Orphanet 466775, MedGen C5569024, MONDO:0014726, OMIM 616668.

Allele frequency attached by ClinVar (database versions not stated): gnomAD exomes below 0.00001; TOPMed 0.00002.

Submissions (2):

Labcorp Genetics (formerly Invitae), Labcorp
Classification: Likely pathogenic for Hereditary spastic paraplegia 11. Last evaluated: 2023-08-06. Review status: criteria provided, single submitter. Criteria: Invitae Variant Classification Sherloc (09022015). Collection method: clinical testing. Allele origin: germline.
Comment: Disruption of this splice site has been observed in individual(s) with hereditary spastic paraplegia (Invitae). In summary, the currently available evidence indicates that the variant is pathogenic, but additional data are needed to prove that conclusively. Therefore, this variant has been classified as Likely Pathogenic. Algorithms developed to predict the effect of sequence changes on RNA splicing suggest that this variant may disrupt the consensus splice site. ClinVar contains an entry for this variant (Variation ID: 1066302). This variant is not present in population databases (gnomAD no frequency). This sequence change affects an acceptor splice site in intron 2 of the SPG11 gene. It is expected to disrupt RNA splicing. Variants that disrupt the donor or acceptor splice site typically lead to a loss of protein function (PMID: 16199547), and loss-of-function variants in SPG11 are known to be pathogenic (PMID: 19105190, 20110243, 22154821, 26556829).

Juno Genomics, Hangzhou Juno Genomics, Inc
Classification: Uncertain significance for Amyotrophic lateral sclerosis type 5; Charcot-Marie-Tooth disease axonal type 2X; Hereditary spastic paraplegia 11. Review status: criteria provided, single submitter. Criteria: ACMG Guidelines, 2015. Collection method: clinical testing. Allele origin: germline. Affected: yes.
Comment: Null variant in a gene where loss of function (LOF) is a known mechanism of disease.;Absent from controls (or at extremely low frequency if recessive) in Genome Aggregation Database, Exome Sequencing Project, 1000 Genomes Project, or Exome Aggregation Consortium.

Literature cited by the submitters: PubMed 16199547 (cited by Labcorp Genetics (formerly Invitae), Labcorp); PubMed 19105190 (cited by Labcorp Genetics (formerly Invitae), Labcorp); PubMed 20110243 (cited by Labcorp Genetics (formerly Invitae), Labcorp); PubMed 22154821 (cited by Labcorp Genetics (formerly Invitae), Labcorp); PubMed 26556829 (cited by Labcorp Genetics (formerly Invitae), Labcorp).